The following is an entry in ClinVar:

ClinVar aggregate classification (germline): Uncertain significance (1 of 4 stars; one submission).

Submission:

Dasa
Classification: Uncertain significance. Last evaluated: 2026-07-05. Review status: criteria provided, single submitter. Criteria: DASA Assertion Criteria. Collection method: clinical testing. Allele origin: germline.
Comment: NM_006237.4(POU4F1):c.1181T>C (p.Leu394Pro) is a missense variant that results in the substitution of leucine with proline. This variant is rare in population databases. Computational prediction algorithms are consistent with a deleterious effect. The currently available literature and clinical evidence are not sufficient to establish a definitive association between this variant and the reported condition. Therefore, this variant is classified as a variant of uncertain significance.

NM_006237.4(POU4F1):c.1181T>C (p.Leu394Pro)

Genes: OBI1-AS1 (OBI1 antisense RNA 1; plus strand), POU4F1 (POU class 4 homeobox 1; minus strand). Cytogenetic location: 13q31.1.
Variant type: single nucleotide variant.
Coding change: c.1181T>C on transcript NM_006237.4 (MANE Select); coding-DNA position 1181, T replaced by C.
Protein change: p.Leu394Pro; replaces leucine 394 with proline.
Molecular consequence: missense variant.
Genome position (GRCh38, 1-based): chr13:78,601,494, A>G on the plus strand (T>C on the coding strand, the complement: POU4F1 is on the minus strand). VCF-style: chr13-78601494-A-G. GRCh37 (hg19) VCF-style: chr13-79175629-A-G.
Other names: short protein forms L394P.
Identifiers: ClinVar variation 5020238 (VCV005020238.1).
Genomic context (GRCh38, chr13:78,601,494, plus strand): 5'-TTCATCCGCTTCTGCTTCTGTCTCTGGTTGCAAAACCACACCCGCACCACGTTCTTTTTG[A>G]GGTCCAGTTTCTCGGCGATGGCGGCGATCTTCTCGGACGAGGGCCGGGGCTGCACGGCGA-3'
Protein context (NP_006228.3, residues 384-404): KIAAIAEKLD[Leu394Pro]KKNVVRVWFC